The following is an entry in ClinVar:

NM_020937.4(FANCM):c.3455T>C (p.Leu1152Ser)

Gene: FANCM (FA complementation group M; plus strand). Cytogenetic location: 14q21.2.
Variant type: single nucleotide variant.
Coding change: c.3455T>C on transcript NM_020937.4 (MANE Select); coding-DNA position 3455, T replaced by C.
Protein change: p.Leu1152Ser; replaces leucine 1152 with serine.
Molecular consequence: missense variant.
Genome position (GRCh38, 1-based): chr14:45,176,209, T>C. VCF-style: chr14-45176209-T-C. GRCh37 (hg19) VCF-style: chr14-45645412-T-C.
Other names: c.3377T>C, p.Leu1126Ser (NM_001308133.2); c.3455T>C (NM_020937.3, NM_020937.2); short protein forms L1152S, L1126S.
Identifiers: ClinVar variation 1045342 (VCV001045342.8), dbSNP rs948354347, ClinGen allele CA259628297.

ClinVar aggregate classification (germline): Uncertain significance. Review status: criteria provided, multiple submitters, no conflicts (2 of 4 stars). 3 submissions from 3 submitters: Uncertain significance (3). Last evaluated 2025-03-03.

Conditions:
Inborn genetic diseases. Identifiers: MedGen C0950123, MeSH D030342.
Fanconi anemia (FA). Also called: Fanconi's anemia. Identifiers: Orphanet 84, MedGen C0015625, MeSH D005199, MONDO:0019391.

Allele frequency attached by ClinVar (database versions not stated): gnomAD exomes below 0.00001; TOPMed below 0.00001.

Submissions (3):

Ambry Genetics
Classification: Uncertain significance for Inborn genetic diseases. Last evaluated: 2025-03-03. Review status: criteria provided, single submitter. Criteria: Ambry Variant Classification Scheme 2023. Collection method: clinical testing. Allele origin: germline.
Comment: The p.L1152S variant (also known as c.3455T>C), located in coding exon 14 of the FANCM gene, results from a T to C substitution at nucleotide position 3455. The leucine at codon 1152 is replaced by serine, an amino acid with dissimilar properties. This amino acid position is conserved. In addition, this alteration is predicted to be tolerated by in silico analysis. Based on the available evidence, the clinical significance of this variant remains unclear.

Quest Diagnostics Nichols Institute San Juan Capistrano
Classification: Uncertain significance. Last evaluated: 2024-06-12. Review status: criteria provided, single submitter. Criteria: Quest Diagnostics criteria. Collection method: clinical testing. Allele origin: unknown.
Comment: The FANCM c.3455T>C (p.Leu1152Ser) variant has not been reported in individuals with FANCM-related conditions in the published literature. The frequency of this variant in the general population, 0.000004 (1/250914 chromosomes (Genome Aggregation Database)), is uninformative in the assessment of its pathogenicity. Analysis of this variant using bioinformatics tools for the prediction of the effect of amino acid changes on protein structure and function yielded predictions that this variant is benign. Based on the available information, we are unable to determine the clinical significance of this variant.

Labcorp Genetics (formerly Invitae), Labcorp
Classification: Uncertain significance for Fanconi anemia. Last evaluated: 2022-11-22. Review status: criteria provided, single submitter. Criteria: Invitae Variant Classification Sherloc (09022015). Collection method: clinical testing. Allele origin: germline.
Comment: In summary, the available evidence is currently insufficient to determine the role of this variant in disease. Therefore, it has been classified as a Variant of Uncertain Significance. Algorithms developed to predict the effect of missense changes on protein structure and function output the following: SIFT: "Tolerated"; PolyPhen-2: "Benign"; Align-GVGD: "Class C0". The serine amino acid residue is found in multiple mammalian species, which suggests that this missense change does not adversely affect protein function. ClinVar contains an entry for this variant (Variation ID: 1045342). This variant has not been reported in the literature in individuals affected with FANCM-related conditions. This variant is present in population databases (no rsID available, gnomAD 0.003%). This sequence change replaces leucine, which is neutral and non-polar, with serine, which is neutral and polar, at codon 1152 of the FANCM protein (p.Leu1152Ser).